The following is an entry in ClinVar:

NM_032119.4(ADGRV1):c.15791A>T (p.Glu5264Val)

Gene: ADGRV1 (adhesion G protein-coupled receptor V1; plus strand). Cytogenetic location: 5q14.3.
Variant type: single nucleotide variant.
Coding change: c.15791A>T on transcript NM_032119.4 (MANE Select); coding-DNA position 15791, A replaced by T.
Protein change: p.Glu5264Val; replaces glutamic acid 5264 with valine.
Molecular consequence: missense variant. On other transcripts: non-coding transcript variant (1).
Genome position (GRCh38, 1-based): chr5:90,811,051, A>T. VCF-style: chr5-90811051-A-T. GRCh37 (hg19) VCF-style: chr5-90106868-A-T.
Other names: short protein forms E5264V.
Identifiers: ClinVar variation 1487676 (VCV001487676.8), dbSNP rs1461801503, ClinGen allele CA360410911.

ClinVar aggregate classification (germline): Uncertain significance (1 of 4 stars; one submission).

Allele frequency attached by ClinVar (database versions not stated): TOPMed below 0.00001; gnomAD exomes 0.00002.
gnomAD v4.1: 19 of 1,614,052 alleles (0.0012%); highest among the groups gnomAD compares: East Asian, 0.0022%; no homozygotes.

Submission:

Labcorp Genetics (formerly Invitae), Labcorp
Classification: Uncertain significance. Last evaluated: 2022-04-25. Review status: criteria provided, single submitter. Criteria: Invitae Variant Classification Sherloc (09022015). Collection method: clinical testing. Allele origin: germline.
Comment: This sequence change replaces glutamic acid, which is acidic and polar, with valine, which is neutral and non-polar, at codon 5264 of the ADGRV1 protein (p.Glu5264Val). In summary, the available evidence is currently insufficient to determine the role of this variant in disease. Therefore, it has been classified as a Variant of Uncertain Significance. Algorithms developed to predict the effect of sequence changes on RNA splicing suggest that this variant may create or strengthen a splice site. Algorithms developed to predict the effect of missense changes on protein structure and function (SIFT, PolyPhen-2, Align-GVGD) all suggest that this variant is likely to be tolerated. This variant has not been reported in the literature in individuals affected with ADGRV1-related conditions. This variant is not present in population databases (gnomAD no frequency).